The following is an entry in ClinVar:

ClinVar aggregate classification (germline): Uncertain significance (1 of 4 stars; one submission).

Submission:

Labcorp Genetics (formerly Invitae), Labcorp
Classification: Uncertain significance. Last evaluated: 2021-09-15. Review status: criteria provided, single submitter. Criteria: Invitae Variant Classification Sherloc (09022015). Collection method: clinical testing. Allele origin: germline.
Comment: This variant has not been reported in the literature in individuals affected with ICK-related conditions. This variant is not present in population databases (ExAC no frequency). This sequence change replaces lysine with threonine at codon 486 of the ICK protein (p.Lys486Thr). The lysine residue is highly conserved and there is a moderate physicochemical difference between lysine and threonine. Algorithms developed to predict the effect of missense changes on protein structure and function (SIFT, PolyPhen-2, Align-GVGD) all suggest that this variant is likely to be disruptive. In summary, the available evidence is currently insufficient to determine the role of this variant in disease. Therefore, it has been classified as a Variant of Uncertain Significance.

NM_014920.5(CILK1):c.1457A>C (p.Lys486Thr)

Gene: CILK1 (ciliogenesis associated kinase 1; minus strand). Cytogenetic location: 6p12.1.
Variant type: single nucleotide variant.
Coding change: c.1457A>C on transcript NM_014920.5 (MANE Select); coding-DNA position 1457, A replaced by C.
Protein change: p.Lys486Thr; replaces lysine 486 with threonine.
Molecular consequence: missense variant. On other transcripts: non-coding transcript variant (1).
Genome position (GRCh38, 1-based): chr6:53,011,804, T>G on the plus strand (A>C on the coding strand, the complement: CILK1 is on the minus strand). VCF-style: chr6-53011804-T-G. GRCh37 (hg19) VCF-style: chr6-52876602-T-G.
Other names: c.1478A>C, p.Lys493Thr (NM_001375397.1); c.1457A>C, p.Lys486Thr (NM_001375398.1, NM_001375399.1, NM_001375400.1 and 3 more transcripts); short protein forms K486T, K493T.
Identifiers: ClinVar variation 1680539 (VCV001680539.6), dbSNP rs2127407777, ClinGen allele CA364466729.
Genomic context (GRCh38, chr6:53,011,804, plus strand): 5'-AGTAAAGCCAAGTCATTTATATTACCAGGCAAGTATCGAGAGTGCTTCAAATAGTGCTGC[T>G]TGGCTGCAGATCTCAGGGTGGGCGTGTCTCGCCGCTGATATGACGTCTGGGTGGGGGCAC-3'
Protein context (NP_055735.1, residues 476-496): RDTPTLRSAA[Lys486Thr]QHYLKHSRYL